The following is an entry in ClinVar:

ClinVar aggregate classification (germline): Pathogenic. Review status: criteria provided, single submitter (1 of 4 stars). 2 submissions from 2 submitters: Pathogenic (1). 1 of the submissions does not count toward it. Last evaluated 2025-10-01.

Conditions:
RIN2 syndrome. Also called: MACS SYNDROME; TALL FOREHEAD, SPARSE HAIR, SKIN HYPEREXTENSIBILITY, AND SCOLIOSIS. Identifiers: Orphanet 217335, MedGen C2751321, MONDO:0013115, OMIM 613075.

Submissions (2):

Labcorp Genetics (formerly Invitae), Labcorp
Classification: Pathogenic. Last evaluated: 2025-10-01. Review status: criteria provided, single submitter. Criteria: Invitae Variant Classification Sherloc (09022015). Collection method: clinical testing. Allele origin: germline.
Comment: This sequence change creates a premature translational stop signal (p.Ile578Hisfs*7) in the RIN2 gene. It is expected to result in an absent or disrupted protein product. Loss-of-function variants in RIN2 are known to be pathogenic (PMID: 19631308). The frequency data for this variant in the population databases is considered unreliable, as metrics indicate poor data quality at this position in the gnomAD database. This premature translational stop signal has been observed in individuals with RIN2-related conditions (PMID: 24449201, 27277385). It has also been observed to segregate with disease in related individuals. This variant is also known as c.1878_1879insC, c.1878dupC, p.Ile627Hisfs*7. ClinVar contains an entry for this variant (Variation ID: 137627). For these reasons, this variant has been classified as Pathogenic.

OMIM
Classification: Pathogenic for MACS SYNDROME. Last evaluated: 2014-02-01. Review status: no assertion criteria provided. Collection method: literature only. Allele origin: germline. Not counted in ClinVar's aggregate classification.

Literature cited by the submitters: PubMed 19631308 (cited by Labcorp Genetics (formerly Invitae), Labcorp); PubMed 24449201 (cited by Labcorp Genetics (formerly Invitae), Labcorp and OMIM); PubMed 27277385 (cited by Labcorp Genetics (formerly Invitae), Labcorp).

NM_018993.4(RIN2):c.1731dup (p.Ile578fs)

Gene: RIN2 (Ras and Rab interactor 2; plus strand). Cytogenetic location: 20p11.23.
Variant type: Duplication.
Coding change: c.1731dup on transcript NM_018993.4 (MANE Select); coding-DNA position 1731, one base duplicated (C; older notation c.1731dupC).
Protein change: p.Ile578fs; shifts the reading frame from isoleucine 578.
Molecular consequence: frameshift variant.
Genome position (GRCh38, 1-based): chr20:19,975,756, C duplicated; the last of 7 consecutive C bases (chr20:19,975,750-19,975,756); duplicating any one gives the same sequence. VCF-style (leftmost placement, unchanged base first): chr20-19975749-A-AC. GRCh37 (hg19) VCF-style: chr20-19956393-A-AC.
Other names: c.1878dup, p.Ile627fs (NM_001242581.2); c.1113dup, p.Ile372fs (NM_001378238.1); short protein forms I578fs, I627fs, I372fs.
Identifiers: ClinVar variation 137627 (VCV000137627.6), dbSNP rs759390822, ClinGen allele CA9780127.